The following is an entry in ClinVar:

NM_001232.4(CASQ2):c.97C>T (p.Arg33Ter)

Gene: CASQ2 (calsequestrin 2; minus strand). Cytogenetic location: 1p13.1.
Variant type: single nucleotide variant.
Coding change: c.97C>T on transcript NM_001232.4 (MANE Select); coding-DNA position 97, C replaced by T.
Protein change: p.Arg33Ter; replaces arginine 33 with a stop codon.
Molecular consequence: nonsense.
Genome position (GRCh38, 1-based): chr1:115,768,445, G>A on the plus strand (C>T on the coding strand, the complement: CASQ2 is on the minus strand). VCF-style: chr1-115768445-G-A. GRCh37 (hg19) VCF-style: chr1-116311066-G-A.
Other names: p.R33X:CGA>TGA; short protein forms R33*.
Identifiers: ClinVar variation 41043 (VCV000041043.27), dbSNP rs397507556, ClinGen allele CA301925.

ClinVar aggregate classification (germline): Pathogenic/Likely pathogenic. Review status: criteria provided, multiple submitters, no conflicts (2 of 4 stars). 8 submissions from 8 submitters: Pathogenic (4); Likely pathogenic (3). 1 of the submissions does not count toward it. Last evaluated 2025-08-15.

Conditions:
Cardiovascular phenotype. Identifiers: MedGen CN230736.
Catecholaminergic polymorphic ventricular tachycardia 2. Also called: CASQ2-Related Catecholaminergic Polymorphic Ventricular Tachycardia; VENTRICULAR TACHYCARDIA, STRESS-INDUCED POLYMORPHIC 2. Identifiers: Orphanet 3286, MedGen C2677794, MONDO:0012762, OMIM 611938.
Catecholaminergic polymorphic ventricular tachycardia 1. Also called: RYR2-Related Catecholaminergic Polymorphic Ventricular Tachycardia; VENTRICULAR TACHYCARDIA, STRESS-INDUCED POLYMORPHIC 1; VENTRICULAR TACHYCARDIA, CATECHOLAMINERGIC POLYMORPHIC, 1, WITH OR WITHOUT ATRIAL DYSFUNCTION AND/OR DILATED CARDIOMYOPATHY. Identifiers: Orphanet 3286, MedGen C1631597, MONDO:0011484, OMIM 604772.
Long QT syndrome (LQTS). Identifiers: MedGen C0023976, MeSH D008133, MONDO:0002442. Disease mechanism: loss of function. Inheritance: Various modes of inheritance.

Allele frequency attached by ClinVar (database versions not stated): TOPMed 0.00001.
gnomAD v4.1: 7 of 1,612,794 alleles (0.00043%); highest among the groups gnomAD compares: Non-Finnish European, 0.00059%; no homozygotes.

Submissions (8):

Labcorp Genetics (formerly Invitae), Labcorp
Classification: Pathogenic for Catecholaminergic polymorphic ventricular tachycardia 1. Last evaluated: 2025-08-15. Review status: criteria provided, single submitter. Criteria: Invitae Variant Classification Sherloc (09022015). Collection method: clinical testing. Allele origin: germline.
Comment: This sequence change creates a premature translational stop signal (p.Arg33*) in the CASQ2 gene. It is expected to result in an absent or disrupted protein product. Loss-of-function variants in CASQ2 are known to be pathogenic (PMID: 12386154). This variant is present in population databases (rs397507556, gnomAD 0.0009%). This premature translational stop signal has been observed in individual(s) with catecholaminergic polymorphic ventricular tachycardia (PMID: 12386154). ClinVar contains an entry for this variant (Variation ID: 41043). For these reasons, this variant has been classified as Pathogenic.

GeneDx
Classification: Likely pathogenic. Last evaluated: 2025-06-26. Review status: criteria provided, single submitter. Criteria: GeneDx Variant Classification Process June 2021. Collection method: clinical testing. Allele origin: germline. Affected: yes.
Comment: Nonsense variant predicted to result in protein truncation or nonsense mediated decay in a gene for which loss of function is a known mechanism of disease; Not observed at significant frequency in large population cohorts (gnomAD); This variant is associated with the following publications: (PMID: 24025405, 27538377, 22383456, 34426522, 35119302, 37937776, 30600839, 12386154)

Ambry Genetics
Classification: Pathogenic for Cardiovascular phenotype. Last evaluated: 2025-01-30. Review status: criteria provided, single submitter. Criteria: Ambry Variant Classification Scheme 2023. Collection method: clinical testing. Allele origin: germline.
Comment: The p.R33* pathogenic mutation (also known as c.97C>T), located in coding exon 1 of the CASQ2 gene, results from a C to T substitution at nucleotide position 97. This changes the amino acid from an arginine to a stop codon within coding exon 1. This mutation has been reported in a family including three affected individuals with catecholaminergic polymorphic ventricular tachycardia (CPVT) and a second CASQ2 variant, as well as in their unaffected carrier father (Gao L et al. Cardiol J, 2018;25:756-758). This alteration was also reported in a family with three CPVT-affected family members with no additional CASQ2 variants detected, as well as in three unaffected family members (Postma AV et al. Circ. Res., 2002 Oct;91:e21-6). In addition to the clinical data presented in the literature, this alteration is expected to result in loss of function by premature protein truncation or nonsense-mediated mRNA decay. As such, this alteration is interpreted as a disease-causing mutation.

Fulgent Genetics
Classification: Pathogenic for Catecholaminergic polymorphic ventricular tachycardia 2. Last evaluated: 2024-02-17. Review status: criteria provided, single submitter. Criteria: ACMG Guidelines, 2015. Collection method: clinical testing. Allele origin: germline.

Dept of Medical Biology, Uskudar University
Classification: Likely pathogenic for Long QT syndrome. Last evaluated: 2024-01-08. Review status: criteria provided, single submitter. Criteria: Dept of Medical Biology Variant Classification. Collection method: research. Allele origin: maternal. Affected: yes. Observed: 1 variant allele.
Comment: Criteria: PVS1_Strong, PM2

Genome-Nilou Lab
Classification: Likely pathogenic for Catecholaminergic polymorphic ventricular tachycardia 2. Last evaluated: 2023-04-11. Review status: criteria provided, single submitter. Criteria: ACMG Guidelines, 2015. Collection method: clinical testing. Allele origin: germline. Affected: no.

Stanford Center for Inherited Cardiovascular Disease, Stanford University
Classification: Pathogenic. Review status: criteria provided, single submitter. Criteria: ACMG Guidelines, 2015. Collection method: provider interpretation. Allele origin: germline.

GeneReviews
No classification provided. Condition: Catecholaminergic polymorphic ventricular tachycardia 2. Review status: no classification provided. Collection method: literature only. Allele origin: unknown. Not counted in ClinVar's aggregate classification.

Literature cited by the submitters: PubMed 12386154 (cited by Labcorp Genetics (formerly Invitae), Labcorp and Ambry Genetics); PubMed 26695698 (cited by Ambry Genetics); PubMed 30600839 (cited by Ambry Genetics); PubMed 20301466 (cited by GeneReviews); NCBI Bookshelf NBK1289 (cited by GeneReviews).